The following is an entry in ClinVar:

NM_005862.3(STAG1):c.1337A>G (p.Gln446Arg)

Gene: STAG1 (STAG1 cohesin complex component; minus strand). Cytogenetic location: 3q22.3.
Variant type: single nucleotide variant.
Coding change: c.1337A>G on transcript NM_005862.3 (MANE Select); coding-DNA position 1337, A replaced by G.
Protein change: p.Gln446Arg; replaces glutamine 446 with arginine.
Molecular consequence: missense variant.
Genome position (GRCh38, 1-based): chr3:136,452,124, T>C on the plus strand (A>G on the coding strand, the complement: STAG1 is on the minus strand). VCF-style: chr3-136452124-T-C. GRCh37 (hg19) VCF-style: chr3-136170966-T-C.
Other names: short protein forms Q446R.
Identifiers: ClinVar variation 4885404 (VCV004885404.2).
Genomic context (GRCh38, chr3:136,452,124, plus strand): 5'-CTAATGAGGTTTCCATTCGGGCTGTTTCTTCCCCTCCTCTTTGCTAATGCTTCTTCTGCT[T>C]GTGGGTCATGTCTGCTAAATAGCCTGGAAATGAAAAACAGGGCATTGCAAAGTTACATGA-3'
Protein context (NP_005853.2, residues 436-456): HKKLFSRHDP[Gln446Arg]AEEALAKRRG

ClinVar aggregate classification (germline): Uncertain significance (1 of 4 stars; one submission).

Submission:

Dasa
Classification: Uncertain significance. Last evaluated: 2025-02-17. Review status: criteria provided, single submitter. Criteria: DASA Assertion Criteria. Collection method: clinical testing. Allele origin: germline.
Comment: NM_005862.3(STAG1):c.1337A>G (p.Gln446Arg) is a missense variant that results in the substitution of glutamine with arginine. This variant is absent from population databases. Computational prediction algorithms are consistent with a benign effect. The currently available literature and clinical evidence are not sufficient to establish a definitive association between this variant and the reported condition. Therefore, this variant is classified as a variant of uncertain significance.